The following is an entry in ClinVar:

NM_033305.3(VPS13A):c.4243-4_4243-2delinsTTT

Gene: VPS13A (vacuolar protein sorting 13 homolog A; plus strand). Cytogenetic location: 9q21.2.
Variant type: Indel.
Coding change: c.4243-4_4243-2delinsTTT on transcript NM_033305.3 (MANE Select); 4 bases into the intron before coding-DNA position 4243 through the canonical splice acceptor site of the intron before coding-DNA position 4243, ATA replaced by TTT.
Molecular consequence: splice acceptor variant.
Genome position (GRCh38, 1-based): chr9:77,314,491-77,314,493, ATA replaced by TTT. VCF-style: chr9-77314491-ATA-TTT. GRCh37 (hg19) VCF-style: chr9-79929407-ATA-TTT.
Other names: c.4126-4_4126-2delinsTTT (NM_001018037.2); c.4243-4_4243-2delinsTTT (NM_015186.4, NM_001018038.3).
Identifiers: ClinVar variation 4816401 (VCV004816401.1).

ClinVar aggregate classification (germline): Likely pathogenic (1 of 4 stars; one submission).

Conditions:
VPS13A-related neurodegenerative disease. Also called: LEVINE-CRITCHLEY SYNDROME; Choreoacanthocytosis; Chorea-acanthocytosis; ACANTHOCYTOSIS WITH NEUROLOGIC DISORDER; VPS13A Disease; Choreaacanthocytosis. Identifiers: Orphanet 2388, MedGen C0393576, MONDO:0008695, OMIM 200150.

Submission:

Natera, Inc.
Classification: Likely pathogenic for Choreaacanthocytosis. Last evaluated: 2024-12-30. Review status: criteria provided, single submitter. Criteria: Natera Variant Classification Schema (03/2026). Collection method: clinical testing. Allele origin: germline.
Comment: The c.4243-4_4243-2delinsTTT variant in VPS13A is a deletion-insertion (delins) variant predicted to replace one or more nucleotides with a different sequence, affecting a canonical splice acceptor site. This variant is expected to result in nonsense mediated decay, truncation, or a dysfunctional protein product. This variant is rare in the general population with a frequency below the threshold expected for the associated phenotype(s). Given the available evidence, this variant is classified as Likely Pathogenic.